The following is an entry in ClinVar:

NM_001378454.1(ALMS1):c.4216A>G (p.Lys1406Glu)

Gene: ALMS1 (ALMS1 centrosome and basal body associated protein; plus strand). Cytogenetic location: 2p13.1.
Variant type: single nucleotide variant.
Coding change: c.4216A>G on transcript NM_001378454.1 (MANE Select); coding-DNA position 4216, A replaced by G.
Protein change: p.Lys1406Glu; replaces lysine 1406 with glutamic acid.
Molecular consequence: missense variant.
Genome position (GRCh38, 1-based): chr2:73,450,743, A>G. VCF-style: chr2-73450743-A-G. GRCh37 (hg19) VCF-style: chr2-73677870-A-G.
Other names: c.4219A>G, p.Lys1407Glu (NM_015120.4); short protein forms K1407E, K1406E.
Identifiers: ClinVar variation 1946211 (VCV001946211.4), dbSNP rs2466100975, ClinGen allele CA347277762.

ClinVar aggregate classification (germline): Uncertain significance (1 of 4 stars; one submission).

Conditions:
Alstrom syndrome (ALMS). Identifiers: Orphanet 64, MedGen C0268425, MONDO:0008763, OMIM 203800.

gnomAD v4.1: 1 of 1,612,814 alleles (0.000062%); no homozygotes.

Submission:

Labcorp Genetics (formerly Invitae), Labcorp
Classification: Uncertain significance for Alstrom syndrome. Last evaluated: 2024-10-26. Review status: criteria provided, single submitter. Criteria: Invitae Variant Classification Sherloc (09022015). Collection method: clinical testing. Allele origin: germline.
Comment: This sequence change replaces lysine, which is basic and polar, with glutamic acid, which is acidic and polar, at codon 1407 of the ALMS1 protein (p.Lys1407Glu). This variant is not present in population databases (gnomAD no frequency). This variant has not been reported in the literature in individuals affected with ALMS1-related conditions. ClinVar contains an entry for this variant (Variation ID: 1946211). Experimental studies and prediction algorithms are not available or were not evaluated, and the functional significance of this variant is currently unknown. In summary, the available evidence is currently insufficient to determine the role of this variant in disease. Therefore, it has been classified as a Variant of Uncertain Significance.